The following is an entry in ClinVar:

ClinVar aggregate classification (germline): Likely benign (0 of 4 stars; one submission).

Conditions:
TTN-related disorder. Also called: TTN-related condition; TTN-related disease; TTN-related disorders.

Submission:

PreventionGenetics, part of Exact Sciences
Classification: Likely benign for TTN-related condition. Last evaluated: 2024-02-14. Review status: no assertion criteria provided. Collection method: clinical testing. Allele origin: germline.
Comment: This variant is classified as likely benign based on ACMG/AMP sequence variant interpretation guidelines (Richards et al. 2015 PMID: 25741868, with internal and published modifications).

NM_001267550.2(TTN):c.100172-10T>G

Genes: TTN (titin; minus strand), TTN-AS1 (TTN antisense RNA 1; plus strand), LOC126806420 (BRD4-independent group 4 enhancer GRCh37_chr2:179401104-179402303; plus strand). Cytogenetic location: 2q31.2.
Variant type: single nucleotide variant.
Coding change: c.100172-10T>G on transcript NM_001267550.2 (MANE Select); 10 bases into the intron before coding-DNA position 100172, T replaced by G.
Molecular consequence: intron variant.
Genome position (GRCh38, 1-based): chr2:178,536,585, A>C on the plus strand (T>G on the coding strand, the complement: TTN is on the minus strand). VCF-style: chr2-178536585-A-C. GRCh37 (hg19) VCF-style: chr2-179401312-A-C.
Other names: c.72977-10T>G (NM_003319.4); c.73553-10T>G (NM_133437.4); c.73352-10T>G (NM_133432.3); c.92468-10T>G (NM_133378.4); c.95249-10T>G (NM_001256850.1).
Identifiers: ClinVar variation 3037091 (VCV003037091.2), dbSNP rs2468625509, ClinGen allele CA2740096318.
Genomic context (GRCh38, chr2:178,536,585, plus strand): 5'-AATCTTTTGTGACAGCAGTAATAGTTGGTTTGCCAGGAGCACCTGGCTTTTCTATTAAAC[A>C]AAAAAAAGATTTGAGTCATGAGATGAAACAGGCAGCTTTATTAAAGCTTATTTTTTTAAA-3'